The following is an entry in ClinVar:

NM_015559.3(SETBP1):c.557A>G (p.Gln186Arg)

Gene: SETBP1 (SET binding protein 1; plus strand). Cytogenetic location: 18q12.3.
Variant type: single nucleotide variant.
Coding change: c.557A>G on transcript NM_015559.3 (MANE Select); coding-DNA position 557, A replaced by G.
Protein change: p.Gln186Arg; replaces glutamine 186 with arginine.
Molecular consequence: missense variant.
Genome position (GRCh38, 1-based): chr18:44,949,897, A>G. VCF-style: chr18-44949897-A-G. GRCh37 (hg19) VCF-style: chr18-42529862-A-G.
Other names: c.557A>G, p.Gln186Arg (NM_001379141.1, NM_001379142.1); c.557A>G (NM_015559.2); short protein forms Q186R.
Identifiers: ClinVar variation 1443596 (VCV001443596.8), dbSNP rs751069486, ClinGen allele CA8945458.

ClinVar aggregate classification (germline): Likely benign. Review status: criteria provided, single submitter (1 of 4 stars). 2 submissions from 2 submitters: Likely benign (1). 1 of the submissions does not count toward it. Last evaluated 2022-12-06.

Conditions:
SETBP1-related disorder. Also called: SETBP1-related condition; SETBP1-related disorders.

Allele frequency attached by ClinVar (database versions not stated): gnomAD exomes below 0.00001; ExAC 0.00001.
gnomAD v4.1: 3 of 1,613,566 alleles (0.00019%); highest among the groups gnomAD compares: African/African-American, 0.004%; no homozygotes.

Submissions (2):

Labcorp Genetics (formerly Invitae), Labcorp
Classification: Likely benign. Last evaluated: 2022-12-06. Review status: criteria provided, single submitter. Criteria: Invitae Variant Classification Sherloc (09022015). Collection method: clinical testing. Allele origin: germline.

PreventionGenetics, part of Exact Sciences
Classification: Uncertain significance for SETBP1-related condition. Last evaluated: 2023-12-26. Review status: no assertion criteria provided. Collection method: clinical testing. Allele origin: germline. Not counted in ClinVar's aggregate classification.
Comment: The SETBP1 c.557A>G variant is predicted to result in the amino acid substitution p.Gln186Arg. To our knowledge, this variant has not been reported in the literature. This variant is reported in 0.0062% of alleles in individuals of African descent in gnomAD. At this time, the clinical significance of this variant is uncertain due to the absence of conclusive functional and genetic evidence.